The following is an entry in ClinVar:

NM_001142864.4(PIEZO1):c.2992-10C>T

Genes: HSALR1 (HSP90AB1 associated lncRNA 1; plus strand), PIEZO1 (piezo type mechanosensitive ion channel component 1 (Er blood group); minus strand). Cytogenetic location: 16q24.3.
Variant type: single nucleotide variant.
Coding change: c.2992-10C>T on transcript NM_001142864.4 (MANE Select); 10 bases into the intron before coding-DNA position 2992, C replaced by T.
Molecular consequence: intron variant.
Genome position (GRCh38, 1-based): chr16:88,731,920, G>A on the plus strand (C>T on the coding strand, the complement: PIEZO1 is on the minus strand). VCF-style: chr16-88731920-G-A. GRCh37 (hg19) VCF-style: chr16-88798328-G-A.
Identifiers: ClinVar variation 3032154 (VCV003032154.2), dbSNP rs1361745614, ClinGen allele CA624449927.

ClinVar aggregate classification (germline): Likely benign (0 of 4 stars; one submission).

Conditions:
PIEZO1-related disorder. Also called: PIEZO1-Related Disorders; PIEZO1-related condition.

Allele frequency attached by ClinVar (database versions not stated): gnomAD 0.00002.
gnomAD v4.1: 106 of 1,503,882 alleles (0.007%); highest among the groups gnomAD compares: Non-Finnish European, 0.0094%; 1 homozygote.

Submission:

PreventionGenetics, part of Exact Sciences
Classification: Likely benign for PIEZO1-related condition. Last evaluated: 2022-02-04. Review status: no assertion criteria provided. Collection method: clinical testing. Allele origin: germline.
Comment: This variant is classified as likely benign based on ACMG/AMP sequence variant interpretation guidelines (Richards et al. 2015 PMID: 25741868, with internal and published modifications).